The following is an entry in ClinVar:

ClinVar aggregate classification (germline): Uncertain significance. Review status: criteria provided, multiple submitters, no conflicts (2 of 4 stars). 2 submissions from 2 submitters: Uncertain significance (2). Last evaluated 2025-07-01.

Conditions:
Landau-Kleffner syndrome (FESD). Also called: EPILEPSY, FOCAL, WITH SPEECH DISORDER AND WITH OR WITHOUT MENTAL RETARDATION; APHASIA, ACQUIRED, WITH EPILEPSY. Identifiers: Orphanet 1945, Orphanet 725, Orphanet 98818, MedGen C0282512, MONDO:0009509, OMIM 245570.

Submissions (2):

CeGaT Center for Human Genetics Tuebingen
Classification: Uncertain significance. Last evaluated: 2025-07-01. Review status: criteria provided, single submitter. Criteria: CeGaT Center For Human Genetics Tuebingen Variant Classification Criteria Version 2. Collection method: clinical testing. Allele origin: germline. Affected: yes. Observed: 1 variant allele.
Comment: GRIN2A: PM2

Revvity Omics, Revvity
Classification: Uncertain significance for Landau-Kleffner syndrome. Last evaluated: 2020-04-01. Review status: criteria provided, single submitter. Criteria: ACMG Guidelines, 2015. Collection method: clinical testing. Allele origin: germline.

NM_001134407.3(GRIN2A):c.1084G>A (p.Val362Met)

Gene: GRIN2A (glutamate ionotropic receptor NMDA type subunit 2A; minus strand). Cytogenetic location: 16p13.2.
Variant type: single nucleotide variant.
Coding change: c.1084G>A on transcript NM_001134407.3 (MANE Select); coding-DNA position 1084, G replaced by A.
Protein change: p.Val362Met; replaces valine 362 with methionine.
Molecular consequence: missense variant.
Genome position (GRCh38, 1-based): chr16:9,891,024, C>T on the plus strand (G>A on the coding strand, the complement: GRIN2A is on the minus strand). VCF-style: chr16-9891024-C-T. GRCh37 (hg19) VCF-style: chr16-9984881-C-T.
Other names: c.1084G>A, p.Val362Met (NM_000833.5, NM_001134408.2); short protein forms V362M.
Identifiers: ClinVar variation 2432285 (VCV002432285.11), dbSNP rs750620368, ClinGen allele CA394797453.